The following is an entry in ClinVar:

ClinVar aggregate classification (germline): Benign. Review status: reviewed by expert panel (3 of 4 stars). 6 submissions from 6 submitters: Benign (1). 5 of the submissions do not count toward it. Last evaluated 2024-01-23.

Conditions:
Recombinase activating gene 1 deficiency. Identifiers: MedGen CN375631, MONDO:0000572.
Severe combined immunodeficiency, autosomal recessive, T cell-negative, B cell-negative, NK cell-positive. Also called: Severe combined immunodeficiency due to complete RAG1/2 deficiency; SCID, AR, T-cell negative, B-cell negative, NK cell-positive; SCID, T CELL-NEGATIVE, B CELL-NEGATIVE, NK CELL-POSITIVE. Identifiers: Orphanet 331206, MedGen C1832322, MONDO:0011086, OMIM 601457.
Combined immunodeficiency with skin granulomas. Identifiers: Orphanet 157949, MedGen C2673536, MONDO:0009306, OMIM 233650.

Allele frequency attached by ClinVar (database versions not stated): gnomAD exomes 0.00115; ExAC 0.00145; 1000 Genomes Project 0.00479; gnomAD 0.00508 and 0.00550; 1000 Genomes Project 30x 0.00515; ESP Exome Variant Server 0.00531; TOPMed 0.00542.
gnomAD v4.1: 1,462 of 1,614,088 alleles (0.091%); highest among the groups gnomAD compares: African/African-American, 1.8%; 19 homozygotes.

Submissions (6):

ClinGen Severe Combined Immunodeficiency Variant Curation Expert Panel, ClinGen
Classification: Benign for Recombinase activating gene 1 deficiency. Last evaluated: 2024-01-23. Review status: reviewed by expert panel. Criteria: ClinGen SCID ACMG Specifications RAG1 V1.0.0. Collection method: curation. Allele origin: germline. Inheritance: Autosomal recessive inheritance.
Comment: The NM_000448.3:c.251A>G variant in RAG1 is a missense variant predicted to cause the substitution of Histidine by Arginine at amino acid 249 (p.His84Arg). The Popmax Filtering allele frequency (95% CI) of the c.251A>G variant in RAG1 is 0.01622 in gnomAD v.4, which is higher than the ClinGen SCID VCEP threshold (>0.00872) for BA1. Therefore, BA1 is met. Additionally, 19 homozygous adults are reported on GnomAD v.4, BS2_Supporting is Met. In summary, this variant meets the criteria to be classified as Benign for autosomal recessive SCID. ACMG/AMP criteria applied, as specified by the ClinGen SCID-VCEP: BA1 and BS2_Supporting. (VCEP specifications version 1).

Labcorp Genetics (formerly Invitae), Labcorp
Classification: Benign for Combined immunodeficiency with skin granulomas; Severe combined immunodeficiency, autosomal recessive, T cell-negative, B cell-negative, NK cell-positive. Last evaluated: 2026-02-01. Review status: criteria provided, single submitter. Criteria: Invitae Variant Classification Sherloc (09022015). Collection method: clinical testing. Allele origin: germline. Not counted in ClinVar's aggregate classification.

Women's Health and Genetics/Laboratory Corporation of America, LabCorp
Classification: Benign. Last evaluated: 2024-08-30. Review status: criteria provided, single submitter. Criteria: LabCorp Variant Classification Summary - May 2015. Collection method: clinical testing. Allele origin: germline. Not counted in ClinVar's aggregate classification.
Comment: Variant summary: RAG1 c.251A>G (p.His84Arg) results in a non-conservative amino acid change located in the RAG1 importin-binding domain (IPR035714) of the encoded protein sequence. Two of four in-silico tools predict a benign effect of the variant on protein function. The variant allele was found at a frequency of 0.0011 in 251076 control chromosomes, predominantly at a frequency of 0.016 within the African or African-American subpopulation in the gnomAD database, including 4 homozygotes. The observed variant frequency within African or African-American control individuals in the gnomAD database is approximately 10 fold of the estimated maximal expected allele frequency for a pathogenic variant in RAG1 causing Severe Combined Immunodeficiency phenotype (0.0016). To our knowledge, no occurrence of c.251A>G in individuals affected with Severe Combined Immunodeficiency and no experimental evidence demonstrating its impact on protein function have been reported. ClinVar contains an entry for this variant (Variation ID: 378467). Based on the evidence outlined above, the variant was classified as benign.

ARUP Laboratories, Molecular Genetics and Genomics, ARUP Laboratories
Classification: Benign. Last evaluated: 2023-11-28. Review status: criteria provided, single submitter. Criteria: ARUP Molecular Germline Variant Investigation Process 2024. Collection method: clinical testing. Allele origin: germline. Not counted in ClinVar's aggregate classification.

GeneDx
Classification: Benign. Last evaluated: 2015-06-23. Review status: criteria provided, single submitter. Criteria: GeneDx Variant Classification (06012015). Collection method: clinical testing. Allele origin: germline. Affected: yes. Not counted in ClinVar's aggregate classification.
Comment: This variant is considered likely benign or benign based on one or more of the following criteria: it is a conservative change, it occurs at a poorly conserved position in the protein, it is predicted to be benign by multiple in silico algorithms, and/or has population frequency not consistent with disease.

Breakthrough Genomics
Classification: Benign. Review status: criteria provided, single submitter. Criteria: ACMG Guidelines, 2015. Collection method: not provided. Allele origin: germline. Inheritance: Autosomal recessive inheritance. Affected: yes. Not counted in ClinVar's aggregate classification.

NM_000448.3(RAG1):c.251A>G (p.His84Arg)

Gene: RAG1 (recombination activating 1; plus strand). Cytogenetic location: 11p12.
Variant type: single nucleotide variant.
Coding change: c.251A>G on transcript NM_000448.3 (MANE Select); coding-DNA position 251, A replaced by G.
Protein change: p.His84Arg; replaces histidine 84 with arginine.
Molecular consequence: missense variant.
Genome position (GRCh38, 1-based): chr11:36,573,555, A>G. VCF-style: chr11-36573555-A-G. GRCh37 (hg19) VCF-style: chr11-36595105-A-G.
Other names: NM_000448.3(RAG1):c.251A>G; p.His84Arg; c.251A>G, p.His84Arg (NM_001377277.1, NM_001377278.1, NM_001377279.1 and 1 more transcripts); short protein forms H84R.
Identifiers: ClinVar variation 378467 (VCV000378467.15), dbSNP rs150199231, ClinGen allele CA5949933.